The following is an entry in ClinVar:

ClinVar aggregate classification (germline): Uncertain significance. Review status: criteria provided, multiple submitters, no conflicts (2 of 4 stars). 3 submissions from 3 submitters: Uncertain significance (3). Last evaluated 2025-05-06.

Conditions:
KIF1A-related disorder. Also called: KIF1A-related disorders; KIF1A-related condition.
Neuropathy, hereditary sensory, type 2C. Also called: KIF1A-Related HSAN2 (HSAN2C); Hereditary sensory and autonomic neuropathy type IIC. Identifiers: Orphanet 970, MedGen C3280168, MONDO:0013634, OMIM 614213.
Intellectual disability, autosomal dominant 9 (NESCAVS). Also called: KIF1A-Related Neurodevelopmental Disorder; NESCAV SYNDROME. Identifiers: Orphanet 662367, MedGen C5393830, MONDO:0013656, OMIM 614255.
Hereditary spastic paraplegia 30. Identifiers: Orphanet 101010, MedGen C5235139, MONDO:0012476.

gnomAD v4.1: 1 of 1,613,778 alleles (0.000062%); highest among the groups gnomAD compares: East Asian, 0.0022%; no homozygotes.

Submissions (3):

GeneDx
Classification: Uncertain significance. Last evaluated: 2025-05-06. Review status: criteria provided, single submitter. Criteria: GeneDx Variant Classification Process June 2021. Collection method: clinical testing. Allele origin: germline. Affected: yes.
Comment: Not observed at significant frequency in large population cohorts (gnomAD); In silico analysis suggests that this missense variant does not alter protein structure/function; Has not been previously published as pathogenic or benign to our knowledge

PreventionGenetics, part of Exact Sciences
Classification: Uncertain significance for KIF1A-related condition. Last evaluated: 2024-10-27. Review status: criteria provided, single submitter. Criteria: ACMG Guidelines, 2015. Collection method: clinical testing. Allele origin: germline.
Comment: The KIF1A c.3529G>A variant is predicted to result in the amino acid substitution p.Val1177Ile. To our knowledge, this variant has not been reported in the literature or in a large population database (gnomAD), indicating this variant is rare. At this time, the clinical significance of this variant is uncertain due to the absence of conclusive functional and genetic evidence.

Labcorp Genetics (formerly Invitae), Labcorp
Classification: Uncertain significance for Hereditary spastic paraplegia 30; Neuropathy, hereditary sensory, type 2C; Intellectual disability, autosomal dominant 9. Last evaluated: 2024-05-31. Review status: criteria provided, single submitter. Criteria: Invitae Variant Classification Sherloc (09022015). Collection method: clinical testing. Allele origin: germline.
Comment: This sequence change replaces valine, which is neutral and non-polar, with isoleucine, which is neutral and non-polar, at codon 1076 of the KIF1A protein (p.Val1076Ile). This variant is not present in population databases (gnomAD no frequency). This variant has not been reported in the literature in individuals affected with KIF1A-related conditions. Advanced modeling of protein sequence and biophysical properties (such as structural, functional, and spatial information, amino acid conservation, physicochemical variation, residue mobility, and thermodynamic stability) performed at Invitae indicates that this missense variant is not expected to disrupt KIF1A protein function with a negative predictive value of 95%. In summary, the available evidence is currently insufficient to determine the role of this variant in disease. Therefore, it has been classified as a Variant of Uncertain Significance.

NM_001244008.2(KIF1A):c.3529G>A (p.Val1177Ile)

Gene: KIF1A (kinesin family member 1A; minus strand). Cytogenetic location: 2q37.3.
Variant type: single nucleotide variant.
Coding change: c.3529G>A on transcript NM_001244008.2 (MANE Select); coding-DNA position 3529, G replaced by A.
Protein change: p.Val1177Ile; replaces valine 1177 with isoleucine.
Molecular consequence: missense variant.
Genome position (GRCh38, 1-based): chr2:240,743,997, C>T on the plus strand (G>A on the coding strand, the complement: KIF1A is on the minus strand). VCF-style: chr2-240743997-C-T. GRCh37 (hg19) VCF-style: chr2-241683414-C-T.
Other names: c.3253G>A, p.Val1085Ile (NM_001320705.2, NM_001330289.2, NM_001379638.1); c.3328G>A, p.Val1110Ile (NM_001330290.2, NM_001379646.1, NM_001379634.1 and 1 more transcripts); c.3604G>A, p.Val1202Ile (NM_001379631.1); c.3478G>A, p.Val1160Ile (NM_001379632.1); c.3502G>A, p.Val1168Ile (NM_001379633.1, NM_001379642.1, NM_001379645.1); c.3301G>A, p.Val1101Ile (NM_001379648.1, NM_001379637.1); c.3226G>A, p.Val1076Ile (NM_001379649.1, NM_001379650.1, NM_001379651.1 and 5 more transcripts); c.3223G>A, p.Val1075Ile (NM_001379640.1); and 1 more; short protein forms V1075I, V1076I, V1085I, V1101I, V1110I, V1160I, V1168I, V1177I.
Identifiers: ClinVar variation 3753698 (VCV003753698.4).